The following is an entry in ClinVar:

NM_000180.4(GUCY2D):c.1220C>T (p.Thr407Met)

Gene: GUCY2D (guanylate cyclase 2D, retinal; plus strand). Cytogenetic location: 17p13.1.
Variant type: single nucleotide variant.
Coding change: c.1220C>T on transcript NM_000180.4 (MANE Select); coding-DNA position 1220, C replaced by T.
Protein change: p.Thr407Met; replaces threonine 407 with methionine.
Molecular consequence: missense variant.
Genome position (GRCh38, 1-based): chr17:8,006,556, C>T. VCF-style: chr17-8006556-C-T. GRCh37 (hg19) VCF-style: chr17-7909874-C-T.
Other names: short protein forms T407M.
Identifiers: ClinVar variation 1484476 (VCV001484476.20), dbSNP rs377650196, ClinGen allele CA8365682.

ClinVar aggregate classification (germline): Uncertain significance. Review status: criteria provided, multiple submitters, no conflicts (2 of 4 stars). 3 submissions from 3 submitters: Uncertain significance (3). Last evaluated 2024-08-01.

Conditions:
Cone-rod dystrophy 6 (CORD6). Also called: Cone dystrophy progressive; RETINAL CONE DYSTROPHY 2. Identifiers: Orphanet 1872, MedGen C1866293, MONDO:0011143, OMIM 601777.
Leber congenital amaurosis 1 (LCA1). Also called: AMAUROSIS CONGENITA OF LEBER I; Congenital absence of the rods and cones; Leber's congenital tapetoretinal degeneration; Leber's congenital tapetoretinal dysplasia; RETINAL BLINDNESS, CONGENITAL. Identifiers: Orphanet 65, MedGen C2931258, MONDO:0008764, OMIM 204000.

Allele frequency attached by ClinVar (database versions not stated): TOPMed 0.00001; ExAC 0.00003; gnomAD 0.00003 and 0.00004; gnomAD exomes 0.00003; ESP Exome Variant Server 0.00008.
gnomAD v4.1: 56 of 1,612,986 alleles (0.0035%); highest among the groups gnomAD compares: Non-Finnish European, 0.0043%; no homozygotes.

Submissions (3):

CeGaT Center for Human Genetics Tuebingen
Classification: Uncertain significance. Last evaluated: 2024-08-01. Review status: criteria provided, single submitter. Criteria: CeGaT Center For Human Genetics Tuebingen Variant Classification Criteria Version 2. Collection method: clinical testing. Allele origin: germline. Affected: yes. Observed: 1 variant allele.
Comment: GUCY2D: PM2

Blueprint Genetics
Classification: Uncertain significance. Last evaluated: 2023-11-09. Review status: criteria provided, single submitter. Criteria: ACMG Guidelines, 2015. Collection method: clinical testing. Allele origin: germline.

Labcorp Genetics (formerly Invitae), Labcorp
Classification: Uncertain significance for Leber congenital amaurosis 1; Cone-rod dystrophy 6. Last evaluated: 2022-06-13. Review status: criteria provided, single submitter. Criteria: Invitae Variant Classification Sherloc (09022015). Collection method: clinical testing. Allele origin: germline.
Comment: This sequence change replaces threonine, which is neutral and polar, with methionine, which is neutral and non-polar, at codon 407 of the GUCY2D protein (p.Thr407Met). This variant is present in population databases (rs377650196, gnomAD 0.007%). This variant has not been reported in the literature in individuals affected with GUCY2D-related conditions. Algorithms developed to predict the effect of missense changes on protein structure and function (SIFT, PolyPhen-2, Align-GVGD) all suggest that this variant is likely to be disruptive. In summary, the available evidence is currently insufficient to determine the role of this variant in disease. Therefore, it has been classified as a Variant of Uncertain Significance.